The following is an entry in ClinVar:

NM_006231.4(POLE):c.6272C>T (p.Pro2091Leu)

Gene: POLE (DNA polymerase epsilon, catalytic subunit; minus strand). Cytogenetic location: 12q24.33.
Variant type: single nucleotide variant.
Coding change: c.6272C>T on transcript NM_006231.4 (MANE Select); coding-DNA position 6272, C replaced by T.
Protein change: p.Pro2091Leu; replaces proline 2091 with leucine.
Molecular consequence: missense variant.
Genome position (GRCh38, 1-based): chr12:132,632,373, G>A on the plus strand (C>T on the coding strand, the complement: POLE is on the minus strand). VCF-style: chr12-132632373-G-A. GRCh37 (hg19) VCF-style: chr12-133208959-G-A.
Other names: short protein forms P2091L.
Identifiers: ClinVar variation 540632 (VCV000540632.12), dbSNP rs376093362, ClinGen allele CA387369447.

ClinVar aggregate classification (germline): Uncertain significance. Review status: criteria provided, multiple submitters, no conflicts (2 of 4 stars). 2 submissions from 2 submitters: Uncertain significance (2). Last evaluated 2024-01-31.

Conditions:
Hereditary cancer-predisposing syndrome. Also called: Neoplastic Syndromes, Hereditary; Hereditary Cancer Syndrome; Hereditary neoplastic syndrome; Tumor predisposition. Identifiers: Orphanet 140162, MedGen C0027672, MeSH D009386, MONDO:0015356.

Allele frequency attached by ClinVar (database versions not stated): gnomAD exomes below 0.00001.
gnomAD v4.1: 1 of 1,614,180 alleles (0.000062%); highest among the groups gnomAD compares: Non-Finnish European, 0.000085%; no homozygotes.

Submissions (2):

Ambry Genetics
Classification: Uncertain significance for Hereditary cancer-predisposing syndrome. Last evaluated: 2024-01-31. Review status: criteria provided, single submitter. Criteria: Ambry Variant Classification Scheme 2023. Collection method: clinical testing. Allele origin: germline.
Comment: The p.P2091L variant (also known as c.6272C>T), located in coding exon 45 of the POLE gene, results from a C to T substitution at nucleotide position 6272. The proline at codon 2091 is replaced by leucine, an amino acid with similar properties. This amino acid position is conserved. In addition, the in silico prediction for this alteration is inconclusive. Since supporting evidence is limited at this time, the clinical significance of this alteration remains unclear.

Labcorp Genetics (formerly Invitae), Labcorp
Classification: Uncertain significance. Last evaluated: 2022-12-14. Review status: criteria provided, single submitter. Criteria: Invitae Variant Classification Sherloc (09022015). Collection method: clinical testing. Allele origin: germline.
Comment: In summary, the available evidence is currently insufficient to determine the role of this variant in disease. Therefore, it has been classified as a Variant of Uncertain Significance. Advanced modeling of protein sequence and biophysical properties (such as structural, functional, and spatial information, amino acid conservation, physicochemical variation, residue mobility, and thermodynamic stability) performed at Invitae indicates that this missense variant is not expected to disrupt POLE protein function. ClinVar contains an entry for this variant (Variation ID: 540632). This variant has not been reported in the literature in individuals affected with POLE-related conditions. This variant is not present in population databases (gnomAD no frequency). This sequence change replaces proline, which is neutral and non-polar, with leucine, which is neutral and non-polar, at codon 2091 of the POLE protein (p.Pro2091Leu).